The following is an entry in ClinVar:

ClinVar aggregate classification (germline): Uncertain significance. Review status: criteria provided, multiple submitters, no conflicts (2 of 4 stars). 3 submissions from 3 submitters: Uncertain significance (3). Last evaluated 2024-06-12.

Conditions:
HNF4A-related disorder. Also called: HNF4A-related condition.
Fanconi renotubular syndrome 4 with maturity-onset diabetes of the young (FRTS4). Also called: FRTS4 WITH MODY. Identifiers: Orphanet 93111, MedGen C4014962, MONDO:0014458, OMIM 616026.
Maturity-onset diabetes of the young type 1. Also called: MILD JUVENILE DIABETES MELLITUS; MODY, type I; MODY type 1; Diabetes mellitus MODY type 1; MODY HNF4A related; HNF4A-Related Maturity-Onset Diabetes of the Young Type 1. Identifiers: Orphanet 552, MedGen C1852093, MONDO:0007452, OMIM 125850. Disease mechanism: loss of function.
Type 2 diabetes mellitus. Also called: Type II diabetes mellitus. Identifiers: MedGen C0011860, MeSH D003924, MONDO:0005148, OMIM 125853, HP:0005978.

Allele frequency attached by ClinVar (database versions not stated): gnomAD exomes 0.00001; ExAC 0.00002; gnomAD 0.00003; TOPMed 0.00005; 1000 Genomes Project 0.00020; 1000 Genomes Project 30x 0.00031.
gnomAD v4.1: 12 of 1,614,200 alleles (0.00074%); highest among the groups gnomAD compares: East Asian, 0.0045%; no homozygotes.

Submissions (3):

Fulgent Genetics
Classification: Uncertain significance for Maturity-onset diabetes of the young type 1; Type 2 diabetes mellitus; Fanconi renotubular syndrome 4 with maturity-onset diabetes of the young. Last evaluated: 2024-06-12. Review status: criteria provided, single submitter. Criteria: ACMG Guidelines, 2015. Collection method: clinical testing. Allele origin: germline.

PreventionGenetics, part of Exact Sciences
Classification: Uncertain significance for HNF4A-related condition. Last evaluated: 2023-06-21. Review status: criteria provided, single submitter. Criteria: ACMG Guidelines, 2015. Collection method: clinical testing. Allele origin: germline.
Comment: The HNF4A c.1185G>A variant is predicted to result in the amino acid substitution p.Met395Ile. To our knowledge, this variant has not been reported in the literature. This variant is reported in 0.011% of alleles in individuals of East Asian descent in gnomAD. At this time, the clinical significance of this variant is uncertain due to the absence of conclusive functional and genetic evidence.

Labcorp Genetics (formerly Invitae), Labcorp
Classification: Uncertain significance. Last evaluated: 2022-05-20. Review status: criteria provided, single submitter. Criteria: Invitae Variant Classification Sherloc (09022015). Collection method: clinical testing. Allele origin: germline.
Comment: In summary, the available evidence is currently insufficient to determine the role of this variant in disease. Therefore, it has been classified as a Variant of Uncertain Significance. Algorithms developed to predict the effect of sequence changes on RNA splicing suggest that this variant may disrupt the consensus splice site. Algorithms developed to predict the effect of missense changes on protein structure and function (SIFT, PolyPhen-2, Align-GVGD) all suggest that this variant is likely to be tolerated. This variant has not been reported in the literature in individuals affected with HNF4A-related conditions. This variant is present in population databases (rs550287415, gnomAD 0.01%). This sequence change replaces methionine, which is neutral and non-polar, with isoleucine, which is neutral and non-polar, at codon 395 of the HNF4A protein (p.Met395Ile).

NM_175914.5(HNF4A):c.1185G>A (p.Met395Ile)

Gene: HNF4A (hepatocyte nuclear factor 4 alpha; plus strand). Cytogenetic location: 20q13.12.
Variant type: single nucleotide variant.
Coding change: c.1185G>A on transcript NM_175914.5 (MANE Select); coding-DNA position 1185, G replaced by A.
Protein change: p.Met395Ile; replaces methionine 395 with isoleucine.
Molecular consequence: missense variant.
Genome position (GRCh38, 1-based): chr20:44,428,456, G>A. VCF-style: chr20-44428456-G-A. GRCh37 (hg19) VCF-style: chr20-43057096-G-A.
Other names: c.1251G>A, p.Met417Ile (NM_000457.6, NM_178849.3); c.1185G>A, p.Met395Ile (NM_001030003.3); c.1230G>A, p.Met410Ile (NM_001258355.2); c.1176G>A, p.Met392Ile (NM_001287182.2, NM_001287183.2); short protein forms M392I, M410I, M417I, M395I.
Identifiers: ClinVar variation 2194375 (VCV002194375.6), dbSNP rs550287415, ClinGen allele CA9870496.